The following is an entry in ClinVar:

NM_052947.4(ALPK2):c.408G>T (p.Arg136Ser)

Gene: ALPK2 (alpha kinase 2; minus strand). Cytogenetic location: 18q21.31.
Variant type: single nucleotide variant.
Coding change: c.408G>T on transcript NM_052947.4 (MANE Select); coding-DNA position 408, G replaced by T.
Protein change: p.Arg136Ser; replaces arginine 136 with serine.
Molecular consequence: missense variant.
Genome position (GRCh38, 1-based): chr18:58,580,368, C>A on the plus strand (G>T on the coding strand, the complement: ALPK2 is on the minus strand). VCF-style: chr18-58580368-C-A. GRCh37 (hg19) VCF-style: chr18-56247600-C-A.
Other names: short protein forms R136S.
Identifiers: ClinVar variation 3060151 (VCV003060151.2), dbSNP rs9944810, ClinGen allele CA8977454.

ClinVar aggregate classification (germline): Benign (0 of 4 stars; one submission).

Conditions:
ALPK2-related disorder. Also called: ALPK2-related condition.

Allele frequency attached by ClinVar (database versions not stated): ESP Exome Variant Server 0.44919; TOPMed 0.44956; gnomAD 0.45949; 1000 Genomes Project 30x 0.48032; 1000 Genomes Project 0.48283; ExAC 0.50008.
gnomAD v4.1: 797,029 of 1,613,814 alleles (49%); highest among the groups gnomAD compares: East Asian, 58%; 198,862 homozygotes.

Submission:

PreventionGenetics, part of Exact Sciences
Classification: Benign for ALPK2-related condition. Last evaluated: 2019-10-17. Review status: no assertion criteria provided. Collection method: clinical testing. Allele origin: germline.
Comment: This variant is classified as benign based on ACMG/AMP sequence variant interpretation guidelines (Richards et al. 2015 PMID: 25741868, with internal and published modifications).